The following is an entry in ClinVar:

NC_000023.10:g.(31201022_31222077)_(31222236_31224698)dup

Gene: DMD (dystrophin; minus strand). Cytogenetic location: Xp21.2.
Variant type: Duplication.
Identifiers: ClinVar variation 2682576 (VCV002682576.1).

ClinVar aggregate classification (germline): Uncertain significance (1 of 4 stars; one submission).

Submission:

Women's Health and Genetics/Laboratory Corporation of America, LabCorp
Classification: Uncertain significance. Last evaluated: 2023-11-16. Review status: criteria provided, single submitter. Criteria: LabCorp Variant Classification Summary - May 2015. Collection method: clinical testing. Allele origin: germline.
Comment: Variant summary: The variant involves the duplication of exon 67 in the DMD gene. A presumed nomenclature of c.(9649+1_9650-1)_(9807+1_9808-1)dup has been designated for the purposes of this classification. It is assumed to be a tandem duplication in direct orientation (Richardson_GIM_2018, Newman_AJHG_2015). This Copy Number Variant (CNV) is predicted to result in an in-frame duplication within this gene. The variant was absent in 16120 control chromosomes. c.(9649+1_9650-1)_(9807+1_9808-1)dup has been reported in the literature in individuals affected with Dystrophinopathies (Li_2015). These data indicate that the variant may be associated with disease. To our knowledge, no experimental evidence demonstrating an impact on protein function has been reported. The following publications have been ascertained in the context of this evaluation (PMID: 19156838, 25612904). No submitters have cited clinical-significance assessments for this variant to ClinVar after 2014. Based on the evidence outlined above, the variant was classified as VUS-possibly pathogenic.

Literature cited by the submitters: PubMed 25612904; PubMed 19156838.